The following is an entry in ClinVar:

NC_012920.1(MT-TI):m.4311G>A

Gene: MT-TI (mitochondrially encoded tRNA isoleucine; plus strand).
Variant type: single nucleotide variant.
Genome position: chrM-4311-G-A.
Identifiers: ClinVar variation 3069159 (VCV003069159.1), dbSNP rs2521954149, ClinGen allele CA913177689.
Genomic context (GRCh38, chrMT:4,311, plus strand): 5'-CCCTCAAACCTAAGAAATATGTCTGATAAAAGAGTTACTTTGATAGAGTAAATAATAGGA[G>A]CTTAAACCCCCTTATTTCTAGGACTATGAGAATCGAACCCATCCCTGAGAATCCAAAATT-3'

ClinVar aggregate classification (germline): Uncertain significance (1 of 4 stars; one submission).

Conditions:
Mitochondrial disease. Also called: Mitochondrial disorder; Mitochondrial disorders. Identifiers: Orphanet 68380, MedGen C0751651, MeSH D028361, MONDO:0044970.

Submission:

Illumina Laboratory Services, Illumina
Classification: Uncertain significance for Mitochondrial disease. Last evaluated: 2023-03-09. Review status: criteria provided, single submitter. Criteria: ICSLVariantClassificationCriteria RUGD 01 April 2020. Collection method: clinical testing. Allele origin: unknown.
Comment: The MT-TI m.4311G>A mitochondrial variant has not, to our knowledge, been reported in the peer-reviewed literature. This variant is not observed in version 3.2.1 of the Genome Aggregation Database. Based on the available evidence, the m.4311G>A variant is classified as a variant of uncertain significance for primary mitochondrial disease.